The following is an entry in ClinVar:

ClinVar aggregate classification (germline): Uncertain significance. Review status: criteria provided, multiple submitters, no conflicts (2 of 4 stars). 3 submissions from 3 submitters: Uncertain significance (3). Last evaluated 2026-06-17.

Conditions:
Cardiovascular phenotype. Identifiers: MedGen CN230736.
TNXB-related disorder. Also called: TNXB-related condition.

Submissions (3):

PreventionGenetics, part of Exact Sciences
Classification: Uncertain significance for TNXB-related condition. Last evaluated: 2026-06-17. Review status: criteria provided, single submitter. Criteria: ACMG Guidelines, 2015. Collection method: clinical testing. Allele origin: germline.
Comment: The TNXB c.1035C>G variant is predicted to result in the amino acid substitution p.Asp345Glu. To our knowledge, this variant has not been reported in the literature or in a large population database (gnomAD), indicating this variant is rare. At this time, the clinical significance of this variant is uncertain due to the absence of conclusive functional and genetic evidence.

Women's Health and Genetics/Laboratory Corporation of America, LabCorp
Classification: Uncertain significance. Last evaluated: 2026-03-18. Review status: criteria provided, single submitter. Criteria: LabCorp Variant Classification Summary - May 2015. Collection method: clinical testing. Allele origin: germline.
Comment: Variant summary: TNXB c.1035C>G (p.Asp345Glu) results in a conservative amino acid change located in the EGF-like repeat domain (IPR000742) of the encoded protein sequence. Algorithms developed to predict the effect of missense changes on protein structure and function all suggest that this variant is likely to be tolerated. The variant was absent in 219890 control chromosomes. The available data on variant occurrences in the general population are insufficient to allow any conclusion about variant significance. To our knowledge, no occurrence of c.1035C>G in individuals affected with TNXB-related conditions and no experimental evidence demonstrating its impact on protein function have been reported. ClinVar contains an entry for this variant (Variation ID: 2446956). Based on the evidence outlined above, the variant was classified as uncertain significance.

Ambry Genetics
Classification: Uncertain significance for Cardiovascular phenotype. Last evaluated: 2023-02-08. Review status: criteria provided, single submitter. Criteria: Ambry Variant Classification Scheme 2023. Collection method: clinical testing. Allele origin: germline.
Comment: The p.D345E variant (also known as c.1035C>G), located in coding exon 2 of the TNXB gene, results from a C to G substitution at nucleotide position 1035. The aspartic acid at codon 345 is replaced by glutamic acid, an amino acid with highly similar properties. This amino acid position is conserved. In addition, this alteration is predicted to be tolerated by in silico analysis. Since supporting evidence is limited at this time, the clinical significance of this alteration remains unclear.

NM_001365276.2(TNXB):c.1035C>G (p.Asp345Glu)

Gene: TNXB (tenascin XB; minus strand). Cytogenetic location: 6p21.33.
Variant type: single nucleotide variant.
Coding change: c.1035C>G on transcript NM_001365276.2 (MANE Select); coding-DNA position 1035, C replaced by G.
Protein change: p.Asp345Glu; replaces aspartic acid 345 with glutamic acid.
Molecular consequence: missense variant.
Genome position (GRCh38, 1-based): chr6:32,096,818, G>C on the plus strand (C>G on the coding strand, the complement: TNXB is on the minus strand). VCF-style: chr6-32096818-G-C. GRCh37 (hg19) VCF-style: chr6-32064595-G-C.
Other names: c.1035C>G, p.Asp345Glu (NM_019105.8); short protein forms D345E.
Identifiers: ClinVar variation 2446956 (VCV002446956.5), dbSNP rs2483762181, ClinGen allele CA363484118.